The following is an entry in ClinVar:

ClinVar aggregate classification (germline): Uncertain significance (1 of 4 stars; one submission).

Conditions:
Inborn genetic diseases. Identifiers: MedGen C0950123, MeSH D030342.

Submission:

Ambry Genetics
Classification: Uncertain significance for Inborn genetic diseases. Last evaluated: 2024-12-16. Review status: criteria provided, single submitter. Criteria: Ambry Variant Classification Scheme 2023. Collection method: clinical testing. Allele origin: germline.
Comment: The p.A1066T variant (also known as c.3196G>A), located in coding exon 15 of the MECOM gene, results from a G to A substitution at nucleotide position 3196. The alanine at codon 1066 is replaced by threonine, an amino acid with similar properties. This amino acid position is conserved. In addition, this alteration is predicted to be tolerated by in silico analysis. Based on the available evidence, the clinical significance of this variant remains unclear.

NM_004991.4(MECOM):c.3196G>A (p.Ala1066Thr)

Gene: MECOM (MDS1 and EVI1 complex locus; minus strand). Cytogenetic location: 3q26.2.
Variant type: single nucleotide variant.
Coding change: c.3196G>A on transcript NM_004991.4 (MANE Select); coding-DNA position 3196, G replaced by A.
Protein change: p.Ala1066Thr; replaces alanine 1066 with threonine.
Molecular consequence: missense variant.
Genome position (GRCh38, 1-based): chr3:169,090,205, C>T on the plus strand (G>A on the coding strand, the complement: MECOM is on the minus strand). VCF-style: chr3-169090205-C-T. GRCh37 (hg19) VCF-style: chr3-168807993-C-T.
Other names: c.2827G>A, p.Ala943Thr (NM_001105077.4); c.2632G>A, p.Ala878Thr (NM_001105078.4, NM_001205194.2, NM_001366469.2 and 1 more transcripts); c.2608G>A, p.Ala870Thr (NM_001163999.2, NM_001366470.2); c.2605G>A, p.Ala869Thr (NM_001164000.2, NM_001366471.2, NM_001366472.2); c.3169G>A, p.Ala1057Thr (NM_001366466.2); c.2635G>A, p.Ala879Thr (NM_001366467.2, NM_001366468.2); c.2197G>A, p.Ala733Thr (NM_001366473.2); c.1633G>A, p.Ala545Thr (NM_001366474.2); short protein forms A1066T, A545T, A870T, A1057T, A869T, A733T, A878T, A879T.
Identifiers: ClinVar variation 3871620 (VCV003871620.1).
Genomic context (GRCh38, chr3:169,090,205, plus strand): 5'-ACACCTCATCTTCAACTTCTTCATCATCCAGCAAGTCTGAATTTTGACTGGTCACCAAAG[C>T]CTTTTCATCTTTAAAATGACTGCCATTCATTCTTTCAAAAGCATTAAAAAAAAAGTCCAA-3'
Protein context (NP_004982.2, residues 1056-1076): MNGSHFKDEK[Ala1066Thr]LVTSQNSDLL